The following is an entry in ClinVar:

NM_000064.4(C3):c.988G>A (p.Val330Ile)

Gene: C3 (complement C3; minus strand). Cytogenetic location: 19p13.3.
Variant type: single nucleotide variant.
Coding change: c.988G>A on transcript NM_000064.4 (MANE Select); coding-DNA position 988, G replaced by A.
Protein change: p.Val330Ile; replaces valine 330 with isoleucine.
Molecular consequence: missense variant.
Genome position (GRCh38, 1-based): chr19:6,713,204, C>T on the plus strand (G>A on the coding strand, the complement: C3 is on the minus strand). VCF-style: chr19-6713204-C-T. GRCh37 (hg19) VCF-style: chr19-6713215-C-T.
Other names: p.Val330Ile; short protein forms V330I.
Identifiers: ClinVar variation 2152303 (VCV002152303.6), dbSNP rs778093127, ClinGen allele CA9129606.

ClinVar aggregate classification (germline): Uncertain significance. Review status: criteria provided, multiple submitters, no conflicts (2 of 4 stars). 3 submissions from 3 submitters: Uncertain significance (3). Last evaluated 2025-10-04.

Conditions:
Atypical hemolytic-uremic syndrome. Identifiers: Orphanet 2134, MedGen C2931788, MONDO:0016244.
Complement component 3 deficiency. Identifiers: Orphanet 280133, MedGen C3151071, MONDO:0013417, OMIM 613779.
C3 glomerulonephritis. Also called: C3 GLOMERULOPATHY 3; Nephropathy due to CFHR5 Deficiency. Identifiers: Orphanet 329931, MedGen C4055342, MONDO:0013892, OMIM 614809.

Allele frequency attached by ClinVar (database versions not stated): gnomAD 0.00001; TOPMed 0.00002; ExAC 0.00003; gnomAD exomes 0.00004.

Submissions (3):

Labcorp Genetics (formerly Invitae), Labcorp
Classification: Uncertain significance. Last evaluated: 2025-10-04. Review status: criteria provided, single submitter. Criteria: Invitae Variant Classification Sherloc (09022015). Collection method: clinical testing. Allele origin: germline.
Comment: This sequence change replaces valine, which is neutral and non-polar, with isoleucine, which is neutral and non-polar, at codon 330 of the C3 protein (p.Val330Ile). This variant is present in population databases (rs778093127, gnomAD 0.009%). This variant has not been reported in the literature in individuals affected with C3-related conditions. ClinVar contains an entry for this variant (Variation ID: 2152303). Invitae Evidence Modeling of protein sequence and biophysical properties (such as structural, functional, and spatial information, amino acid conservation, physicochemical variation, residue mobility, and thermodynamic stability) indicates that this missense variant is expected to disrupt C3 protein function with a positive predictive value of 80%. Studies have shown that this missense change alters C3 gene expression (PMID: 30131807). In summary, the available evidence is currently insufficient to determine the role of this variant in disease. Therefore, it has been classified as a Variant of Uncertain Significance.

Genomenon, Inc
Classification: Uncertain significance for Complement component 3 deficiency; C3 glomerulonephritis; Atypical hemolytic-uremic syndrome. Last evaluated: 2025-09-30. Review status: criteria provided, single submitter. Criteria: Genomenon Sequence Variant Interpretation Standards. Collection method: curation. Allele origin: germline. Affected: no.
Comment: C3 p.Val330Ile (c.988G>A) is a missense variant that changes the amino acid at residue 330 from Valine to Isoleucine. This variant has been reported in the published literature (PMID:30131807). It is absent or not present at a significant frequency in gnomAD. In silico models agree that this variant is not damaging. In conclusion, we classify C3 p.Val330Ile (c.988G>A) as a variant of unknown significance.

Mayo Clinic Laboratories, Mayo Clinic
Classification: Uncertain significance. Last evaluated: 2023-08-07. Review status: criteria provided, single submitter. Criteria: ACMG Guidelines, 2015. Collection method: clinical testing. Allele origin: germline. Observed: 1 variant allele.
Comment: BP4, PS3_supporting

Literature cited by the submitters: PubMed 30131807 (cited by 3 submitters).